The following is an entry in ClinVar:

NM_000548.5(TSC2):c.4319_4322dup (p.Glu1442fs)

Gene: TSC2 (TSC complex subunit 2; plus strand). Cytogenetic location: 16p13.3.
Variant type: Duplication.
Coding change: c.4319_4322dup on transcript NM_000548.5 (MANE Select); coding-DNA positions 4319 to 4322, 4 bases duplicated (AGCC; older notation c.4319_4322dupAGCC).
Protein change: p.Glu1442fs; shifts the reading frame from glutamic acid 1442.
Molecular consequence: frameshift variant. On other transcripts: non-coding transcript variant (5).
Genome position (GRCh38, 1-based): chr16:2,084,541-2,084,544, AGCC duplicated; duplicating any 4 consecutive bases within chr16:2,084,538-2,084,544 gives the same sequence; the c. name uses the placement nearest the transcript's 3' end. VCF-style (leftmost placement, unchanged base first): chr16-2084537-G-GGCCA. GRCh37 (hg19) VCF-style: chr16-2134538-G-GGCCA.
Other names: c.2774_2777dup, p.Glu927fs (NM_001406695.1, NM_001406696.1, NM_001406697.1); c.2516_2519dup, p.Glu841fs (NM_001406698.1); c.4190_4193dup, p.Glu1399fs (NM_021055.3, NM_001370405.1); c.4118_4121dup, p.Glu1375fs (NM_001077183.3); c.4250_4253dup, p.Glu1419fs (NM_001114382.3); c.4010_4013dup, p.Glu1339fs (NM_001318827.2); c.3974_3977dup, p.Glu1327fs (NM_001318829.2); c.3587_3590dup, p.Glu1198fs (NM_001318831.2); and 26 more; short protein forms E1175fs, E1176fs, E1198fs, E1218fs, E1219fs, E1222fs, E1242fs, E1326fs.
Identifiers: ClinVar variation 4279971 (VCV004279971.1).

ClinVar aggregate classification (germline): Pathogenic (1 of 4 stars; one submission).

Conditions:
Tuberous sclerosis 2 (TSC2). Identifiers: Orphanet 805, MedGen C1860707, MONDO:0013199, OMIM 613254.

Submission:

Clinical Genomics Laboratory, Washington University in St. Louis
Classification: Pathogenic for Tuberous sclerosis 2. Last evaluated: 2025-02-07. Review status: criteria provided, single submitter. Criteria: Leon-Quintero et al. (Clin Genet. 2025). Collection method: clinical testing. Allele origin: somatic. Affected: yes.
Comment: The TSC2 c.4319_4322dup (p.Glu1442Alafs*83) variant was identified at an allelic fraction consistent with somatic origin. This variant, to our knowledge, has not been reported in the medical literature and is absent from the general population (gnomAD v.4.1.0), indicating it is not a common variant. This variant causes a frameshift by inserting 4 nucleotides, leading to a premature termination codon, which is predicted to lead to nonsense mediated decay. Other variants in the same codon, TSC2 c.4324_4327delinsCTTCT (p.Glu1442Leufs*82), and TSC2 c.4324del (p.Glu1442Argfs*34) that also result in a premature termination codon, have been identified in two individuals affected with tuberous sclerosis complex (Dufner-Almeida LG et al., PMID: 39596632; Ogórek B et al., PMID: 32461669). Based on an internally developed protocol informed by the ACMG/AMP guidelines (Leon-Quintero FZ, et al., PMID: 39434542) and gene-specific practices from the ClinGen Criteria Specification Registry, the TSC2 c.4319_4322dup (p.Glu1442Alafs*83) variant is classified as pathogenic.